The following is an entry in ClinVar:

NM_000023.4(SGCA):c.978C>T (p.Thr326=)

Gene: SGCA (sarcoglycan alpha; plus strand). Cytogenetic location: 17q21.33.
Variant type: single nucleotide variant.
Coding change: c.978C>T on transcript NM_000023.4 (MANE Select); coding-DNA position 978, C replaced by T.
Protein change: p.Thr326=; no amino-acid change (threonine 326 retained).
Molecular consequence: synonymous variant. On other transcripts: non-coding transcript variant (1).
Genome position (GRCh38, 1-based): chr17:50,170,661, C>T. VCF-style: chr17-50170661-C-T. GRCh37 (hg19) VCF-style: chr17-48248022-C-T.
Other names: c.606C>T, p.Thr202= (NM_001135697.3); c.978C>T (NM_000023.3).
Identifiers: ClinVar variation 1151605 (VCV001151605.11), dbSNP rs747187312, ClinGen allele CA8643977.

ClinVar aggregate classification (germline): Likely benign. Review status: criteria provided, single submitter (1 of 4 stars). 2 submissions from 2 submitters: Likely benign (1). 1 of the submissions does not count toward it. Last evaluated 2025-11-23.

Conditions:
SGCA-related disorder. Also called: SGCA-related condition.
Autosomal recessive limb-girdle muscular dystrophy type 2D (LGMDR3). Also called: ADHALINOPATHY, PRIMARY; DUCHENNE-LIKE AUTOSOMAL RECESSIVE MUSCULAR DYSTROPHY, TYPE 2; MUSCULAR DYSTROPHY, LIMB-GIRDLE, AUTOSOMAL RECESSIVE 3. Identifiers: Orphanet 62, MedGen C2936332, MONDO:0011968, OMIM 608099. Disease mechanism: Affects gamma-sarcoglycan and also disrupts the integrity of the entire sarcoglycan complex..

Allele frequency attached by ClinVar (database versions not stated): gnomAD exomes below 0.00001 and 0.00003; ExAC 0.00004; gnomAD 0.00005; TOPMed 0.00007.
gnomAD v4.1: 15 of 1,560,492 alleles (0.00096%); highest among the groups gnomAD compares: African/African-American, 0.018%; no homozygotes.

Submissions (2):

Labcorp Genetics (formerly Invitae), Labcorp
Classification: Likely benign for Autosomal recessive limb-girdle muscular dystrophy type 2D. Last evaluated: 2025-11-23. Review status: criteria provided, single submitter. Criteria: Invitae Variant Classification Sherloc (09022015). Collection method: clinical testing. Allele origin: germline.

PreventionGenetics, part of Exact Sciences
Classification: Likely benign for SGCA-related condition. Last evaluated: 2022-12-01. Review status: no assertion criteria provided. Collection method: clinical testing. Allele origin: germline. Not counted in ClinVar's aggregate classification.
Comment: This variant is classified as likely benign based on ACMG/AMP sequence variant interpretation guidelines (Richards et al. 2015 PMID: 25741868, with internal and published modifications).